The following is an entry in ClinVar:

NM_000275.3(OCA2):c.1456G>T (p.Asp486Tyr)

Gene: OCA2 (OCA2 melanosomal transmembrane protein; minus strand). Cytogenetic location: 15q13.1.
Variant type: single nucleotide variant.
Coding change: c.1456G>T on transcript NM_000275.3 (MANE Select); coding-DNA position 1456, G replaced by T.
Protein change: p.Asp486Tyr; replaces aspartic acid 486 with tyrosine.
Molecular consequence: missense variant.
Genome position (GRCh38, 1-based): chr15:27,983,392, C>A on the plus strand (G>T on the coding strand, the complement: OCA2 is on the minus strand). VCF-style: chr15-27983392-C-A. GRCh37 (hg19) VCF-style: chr15-28228538-C-A.
Other names: c.1384G>T, p.Asp462Tyr (NM_001300984.2); short protein forms D486Y, D462Y.
Identifiers: ClinVar variation 617806 (VCV000617806.8), dbSNP rs772324459, ClinGen allele CA7439031.
Genomic context (GRCh38, chr15:27,983,392, plus strand): 5'-TGCTGGTACGTACCATCTTCCTCAGCTCTTGGTTGGAAACAATAATGACATTTGGAGGGT[C>A]CCCGATGGCAGTGGCAGCTCCTCCAATGTTTGTGAAGATCACTTCTGCAATCAGGACTTG-3'
Protein context (NP_000266.2, residues 476-496): NIGGAATAIG[Asp486Tyr]PPNVIIVSNQ

ClinVar aggregate classification (germline): Pathogenic/Likely pathogenic. Review status: criteria provided, multiple submitters, no conflicts (2 of 4 stars). 5 submissions from 5 submitters: Pathogenic (1); Likely pathogenic (3). 1 of the submissions does not count toward it. Last evaluated 2026-10-28.

Conditions:
Nonsyndromic Oculocutaneous Albinism.
Tyrosinase-positive oculocutaneous albinism (OCA2). Also called: Oculocutaneous albinism type 2; Albinism, oculocutaneous, type II; ALBINISM II. Identifiers: Orphanet 79432, MedGen C0268495, MONDO:0008746, OMIM 203200.
Oculocutaneous albinism. Identifiers: Orphanet 55, MedGen C0078918, MONDO:0018910.

Allele frequency attached by ClinVar (database versions not stated): gnomAD exomes 0.00001 and 0.00002.
gnomAD v4.1: 14 of 1,614,170 alleles (0.00087%); highest among the groups gnomAD compares: South Asian, 0.015%; 1 homozygote.

Submissions (5):

Baylor-Hopkins Center for Mendelian Genomics, Johns Hopkins University School of Medicine
Classification: Likely pathogenic for Tyrosinase-positive oculocutaneous albinism. Last evaluated: 2026-10-28. Review status: criteria provided, single submitter. Criteria: ACMG Guidelines, 2015. Collection method: research. Allele origin: germline. Affected: yes. Observed: 1 variant allele, 1 homozygote.

Department of Clinical Genetics, Copenhagen University Hospital, Rigshospitalet
Classification: Likely pathogenic for Tyrosinase-positive oculocutaneous albinism. Last evaluated: 2025-05-23. Review status: criteria provided, single submitter. Criteria: ACMG Guidelines, 2015. Collection method: clinical testing. Allele origin: germline. Observed: 2 variant alleles.
Comment: The following ACMG criteria has been used: PS4_mod, PM2_sup, PP3_str, PM3

Women's Health and Genetics/Laboratory Corporation of America, LabCorp
Classification: Pathogenic for Oculocutaneous albinism. Last evaluated: 2025-03-31. Review status: criteria provided, single submitter. Criteria: LabCorp Variant Classification Summary - May 2015. Collection method: clinical testing. Allele origin: germline.
Comment: Variant summary: OCA2 c.1456G>T (p.Asp486Tyr) results in a non-conservative amino acid change in the encoded protein sequence. Five of five in-silico tools predict a damaging effect of the variant on protein function. The variant allele was found at a frequency of 2.4e-05 in 251494 control chromosomes. c.1456G>T has been reported in the homozygous state in the literature in numerous individuals affected with nonsyndromic Oculocutaneous Albinism (example, Jaworek_2012), with haplotyping data suggesting this is a probable Pakistani founder mutation. These data indicate that the variant is very likely to be associated with disease. To our knowledge, no experimental evidence demonstrating an impact on protein function has been reported. The following publications have been ascertained in the context of this evaluation (PMID: 22734612, 33800529, 28266639, 35328057). ClinVar contains an entry for this variant (Variation ID: 617806). Based on the evidence outlined above, the variant was classified as pathogenic.

GeneDx
Classification: Likely pathogenic. Last evaluated: 2024-06-29. Review status: criteria provided, single submitter. Criteria: GeneDx Variant Classification Process June 2021. Collection method: clinical testing. Allele origin: germline. Affected: yes.
Comment: In silico analysis supports that this missense variant has a deleterious effect on protein structure/function; This variant is associated with the following publications: (PMID: 28266639, 35328057, 33800529, 22734612)

University of Washington Center for Mendelian Genomics, University of Washington
Classification: Likely pathogenic for Nonsyndromic Oculocutaneous Albinism. Last evaluated: 2017-03-07. Review status: no assertion criteria provided. Collection method: research. Allele origin: unknown. Affected: yes. Observed: 4 homozygotes. Not counted in ClinVar's aggregate classification.

Literature cited by the submitters: PubMed 22734612 (cited by Department of Clinical Genetics, Copenhagen University Hospital, Rigshospitalet and Women's Health and Genetics/Laboratory Corporation of America, LabCorp); PubMed 28266639 (cited by Women's Health and Genetics/Laboratory Corporation of America, LabCorp and University of Washington Center for Mendelian Genomics, University of Washington); PubMed 33800529 (cited by Women's Health and Genetics/Laboratory Corporation of America, LabCorp); PubMed 35328057 (cited by Women's Health and Genetics/Laboratory Corporation of America, LabCorp).